The following is an entry in ClinVar:

NM_002890.3(RASA1):c.2011+4A>T

Genes: CCNH (cyclin H; minus strand), RASA1 (RAS p21 protein activator 1; plus strand). Cytogenetic location: 5q14.3.
Variant type: single nucleotide variant.
Coding change: c.2011+4A>T on transcript NM_002890.3 (MANE Select); 4 bases into the intron after coding-DNA position 2011, A replaced by T.
Molecular consequence: intron variant.
Genome position (GRCh38, 1-based): chr5:87,374,920, A>T. VCF-style: chr5-87374920-A-T. GRCh37 (hg19) VCF-style: chr5-86670737-A-T.
Other names: c.1480+4A>T (NM_022650.3); c.933+20124T>A (NM_001364075.2).
Identifiers: ClinVar variation 4854323 (VCV004854323.1).

ClinVar aggregate classification (germline): Uncertain significance (1 of 4 stars; one submission).

Conditions:
Capillary malformation-arteriovenous malformation 1 (CMAVM1). Identifiers: Orphanet 137667, Orphanet 693907, MedGen C4747394, MONDO:0020783, OMIM 608354.

Submission:

3billion
Classification: Uncertain significance for Capillary malformation-arteriovenous malformation 1. Last evaluated: 2025-10-07. Review status: criteria provided, single submitter. Criteria: ACMG Guidelines, 2015. Collection method: clinical testing. Allele origin: germline. Affected: yes.
Comment: The variant is not observed in the gnomAD v4.1.0 dataset. Predicted Consequence/Location: Intron variant In silico tools predict the variant to alter splicing and produce an abnormal transcript [SpliceAI: 0.96 (>=0.2, moderate evidence for spliceogenicity)]. Therefore, this variant is classified as VUS according to the recommendation of ACMG/AMP guideline.